The following is an entry in ClinVar:

NM_001035.3(RYR2):c.13297GAA[1] (p.Glu4434del)

Gene: RYR2 (ryanodine receptor 2; plus strand). Cytogenetic location: 1q43.
Variant type: Microsatellite.
Coding change: c.13297GAA[1] on transcript NM_001035.3 (MANE Select); one copy of the 3-base unit GAA starting at c.13297; the reference has two copies in a row; one copy, 3 bases deleted; also written c.13300_13302del.
Protein change: p.Glu4434del; deletes glutamic acid 4434.
Molecular consequence: inframe deletion.
Genome position (GRCh38, 1-based): chr1:237,786,008-237,786,010, GAA deleted; deleting any 3 consecutive bases within chr1:237,786,003-237,786,010 gives the same sequence; the position shown is the placement nearest the transcript's 3' end. VCF-style (leftmost placement, unchanged base first): chr1-237786002-AAAG-A. GRCh37 (hg19) VCF-style: chr1-237949302-AAAG-A.
Other names: c.13300_13302del (NM_001035.3); short protein forms E4434del.
Identifiers: ClinVar variation 1770129 (VCV001770129.3), dbSNP rs1348082457, ClinGen allele CA733295572.

ClinVar aggregate classification (germline): Uncertain significance. Review status: criteria provided, multiple submitters, no conflicts (2 of 4 stars). 3 submissions from 3 submitters: Uncertain significance (3). Last evaluated 2025-07-29.

Conditions:
Cardiomyopathy (CMYO). Also called: Cardiomyopathies. Identifiers: Orphanet 167848, MedGen C0878544, MONDO:0004994, HP:0001638. Inheritance: Various modes of inheritance.
Catecholaminergic polymorphic ventricular tachycardia 1. Also called: VENTRICULAR TACHYCARDIA, CATECHOLAMINERGIC POLYMORPHIC, 1, WITH OR WITHOUT ATRIAL DYSFUNCTION AND/OR DILATED CARDIOMYOPATHY; VENTRICULAR TACHYCARDIA, STRESS-INDUCED POLYMORPHIC 1; RYR2-Related Catecholaminergic Polymorphic Ventricular Tachycardia. Identifiers: Orphanet 3286, MedGen C1631597, MONDO:0011484, OMIM 604772.
Cardiovascular phenotype. Identifiers: MedGen CN230736.

Submissions (3):

Labcorp Genetics (formerly Invitae), Labcorp
Classification: Uncertain significance for Catecholaminergic polymorphic ventricular tachycardia 1. Last evaluated: 2025-07-29. Review status: criteria provided, single submitter. Criteria: Invitae Variant Classification Sherloc (09022015). Collection method: clinical testing. Allele origin: germline.
Comment: This variant, c.13300_13302del, results in the deletion of 1 amino acid(s) of the RYR2 protein (p.Glu4434del), but otherwise preserves the integrity of the reading frame. This variant is not present in population databases (gnomAD no frequency). This variant has not been reported in the literature in individuals affected with RYR2-related conditions. Experimental studies and prediction algorithms are not available or were not evaluated, and the functional significance of this variant is currently unknown. In summary, the available evidence is currently insufficient to determine the role of this variant in disease. Therefore, it has been classified as a Variant of Uncertain Significance.

Color Diagnostics, LLC DBA Color Health
Classification: Uncertain significance for Cardiomyopathy. Last evaluated: 2025-07-09. Review status: criteria provided, single submitter. Criteria: ACMG Guidelines, 2015. Collection method: clinical testing. Allele origin: germline.
Comment: This variant causes an in-frame deletion of one amino acid at exon 91 of the RYR2 protein. To our knowledge, functional studies have not been reported for this variant. This variant has not been reported in individuals affected with RYR2-related disorders in the literature. This variant has not been identified in the general population by the Genome Aggregation Database (gnomAD). The available evidence is insufficient to determine the role of this variant in disease conclusively. Therefore, this variant is classified as a Variant of Uncertain Significance.

Ambry Genetics
Classification: Uncertain significance for Cardiovascular phenotype. Last evaluated: 2019-03-20. Review status: criteria provided, single submitter. Criteria: Ambry Variant Classification Scheme 2023. Collection method: clinical testing. Allele origin: germline.
Comment: The c.13300_13302delGAA variant (also known as p.E4434del) is located in coding exon 91 of the RYR2 gene. This variant results from an in-frame GAA deletion at nucleotide positions 13300 to 13302. This results in the in-frame deletion of a glutamic acid at codon 4434. This amino acid position is highly conserved in available vertebrate species. In addition, this alteration is predicted to be neutral by in silico analysis (Choi Y et al., PLoS ONE 2012; 7(10):e46688) Since supporting evidence is limited at this time, the clinical significance of this alteration remains unclear.